The following is an entry in ClinVar:

ClinVar aggregate classification (germline): Uncertain significance. Review status: criteria provided, multiple submitters, no conflicts (2 of 4 stars). 3 submissions from 3 submitters: Uncertain significance (2). 1 of the submissions does not count toward it. Last evaluated 2023-08-02.

Conditions:
Meniere disease. Also called: Ménière's disease. Identifiers: MedGen C0025281, MONDO:0007972, OMIM 156000.

Allele frequency attached by ClinVar (database versions not stated): gnomAD exomes 0.00002; TOPMed 0.00002; gnomAD 0.00004; ESP Exome Variant Server 0.00008.
gnomAD v4.1: 38 of 1,609,014 alleles (0.0024%); highest among the groups gnomAD compares: Admixed American, 0.01%; no homozygotes.

Submissions (3):

Labcorp Genetics (formerly Invitae), Labcorp
Classification: Uncertain significance. Last evaluated: 2023-08-02. Review status: criteria provided, single submitter. Criteria: Invitae Variant Classification Sherloc (09022015). Collection method: clinical testing. Allele origin: germline.
Comment: In summary, the available evidence is currently insufficient to determine the role of this variant in disease. Therefore, it has been classified as a Variant of Uncertain Significance. Advanced modeling of protein sequence and biophysical properties (such as structural, functional, and spatial information, amino acid conservation, physicochemical variation, residue mobility, and thermodynamic stability) has been performed at Invitae for this missense variant, however the output from this modeling did not meet the statistical confidence thresholds required to predict the impact of this variant on MYH14 protein function. ClinVar contains an entry for this variant (Variation ID: 994692). This variant has not been reported in the literature in individuals affected with MYH14-related conditions. This variant is present in population databases (rs368076336, gnomAD 0.005%). This sequence change replaces arginine, which is basic and polar, with glutamine, which is neutral and polar, at codon 1608 of the MYH14 protein (p.Arg1608Gln).

Athena Diagnostics
Classification: Uncertain significance. Last evaluated: 2020-04-13. Review status: criteria provided, single submitter. Criteria: Athena Diagnostics Criteria. Collection method: clinical testing. Allele origin: unknown.

Center for Computational Biology & Bioinformatics, University of California, San Diego
Classification: Uncertain significance for Meniere disease. Last evaluated: 2024-06-03. Review status: no assertion criteria provided. Collection method: research. Allele origin: germline. Affected: yes. Not counted in ClinVar's aggregate classification.

NM_001145809.2(MYH14):c.4946G>A (p.Arg1649Gln)

Gene: MYH14 (myosin heavy chain 14; plus strand). Cytogenetic location: 19q13.33.
Variant type: single nucleotide variant.
Coding change: c.4946G>A on transcript NM_001145809.2 (MANE Select); coding-DNA position 4946, G replaced by A.
Protein change: p.Arg1649Gln; replaces arginine 1649 with glutamine.
Molecular consequence: missense variant.
Genome position (GRCh38, 1-based): chr19:50,289,629, G>A. VCF-style: chr19-50289629-G-A. GRCh37 (hg19) VCF-style: chr19-50792886-G-A.
Other names: c.4847G>A, p.Arg1616Gln (NM_001077186.2); c.4823G>A, p.Arg1608Gln (NM_024729.4); short protein forms R1608Q, R1616Q, R1649Q.
Identifiers: ClinVar variation 994692 (VCV000994692.5), dbSNP rs368076336, ClinGen allele CA309585278.
Genomic context (GRCh38, chr19:50,289,629, plus strand): 5'-CTCTCAAGACTCAGCATGAGCGTGACCTGCAGGGCCGTGATGAGGCTGGTGAAGAGAGGC[G>A]GAGGCAGCTGGCCAAGCAGGTATTGTCACACAGAAGGCCACAGGGTGCCAGTCCAGCTGG-3'
Protein context (NP_001139281.1, residues 1639-1659): QGRDEAGEER[Arg1649Gln]RQLAKQLRDA